The following is an entry in ClinVar:

ClinVar aggregate classification (germline): Benign/Likely benign. Review status: criteria provided, multiple submitters, no conflicts (2 of 4 stars). 4 submissions from 4 submitters: Benign (1); Likely benign (3). Last evaluated 2025-10-09.

Conditions:
Tuberous sclerosis 2 (TSC2). Identifiers: Orphanet 805, MedGen C1860707, MONDO:0013199, OMIM 613254.

Submissions (4):

Labcorp Genetics (formerly Invitae), Labcorp
Classification: Likely benign for Tuberous sclerosis 2. Last evaluated: 2025-10-09. Review status: criteria provided, single submitter. Criteria: Invitae Variant Classification Sherloc (09022015). Collection method: clinical testing. Allele origin: germline.

Myriad Genetics, Inc.
Classification: Likely benign for Tuberous sclerosis 2. Last evaluated: 2025-05-22. Review status: criteria provided, single submitter. Criteria: Myriad Autosomal Dominant, Autosomal Recessive and X-Linked Classification Criteria (2023). Collection method: clinical testing. Allele origin: unknown.
Comment: This variant is considered likely benign. This variant is intronic and is not expected to impact mRNA splicing.

Genome-Nilou Lab
Classification: Benign for Tuberous sclerosis 2. Last evaluated: 2021-11-07. Review status: criteria provided, single submitter. Criteria: ACMG Guidelines, 2015. Collection method: clinical testing. Allele origin: germline. Affected: no.

GeneDx
Classification: Likely benign. Last evaluated: 2018-12-05. Review status: criteria provided, single submitter. Criteria: GeneDx Variant Classification Process June 2021. Collection method: clinical testing. Allele origin: germline. Affected: yes.

NM_000548.5(TSC2):c.2743-10A>G

Gene: TSC2 (TSC complex subunit 2; plus strand). Cytogenetic location: 16p13.3.
Variant type: single nucleotide variant.
Coding change: c.2743-10A>G on transcript NM_000548.5 (MANE Select); 10 bases into the intron before coding-DNA position 2743, A replaced by G.
Molecular consequence: intron variant.
Genome position (GRCh38, 1-based): chr16:2,076,481, A>G. VCF-style: chr16-2076481-A-G. GRCh37 (hg19) VCF-style: chr16-2126482-A-G.
Other names: c.2743-10A>G (NM_001114382.3, NM_021055.3, NM_001370405.1 and 3 more transcripts); c.2632-10A>G (NM_001318827.2); c.2143-10A>G (NM_001318831.2); c.2596-10A>G (NM_001318829.2); c.2776-10A>G (NM_001318832.2).
Identifiers: ClinVar variation 413659 (VCV000413659.17), dbSNP rs1060504094, ClinGen allele CA16614691.